The following is an entry in ClinVar:

ClinVar aggregate classification (germline): Uncertain significance (1 of 4 stars; one submission).

Allele frequency attached by ClinVar (database versions not stated): ExAC 0.00001; gnomAD 0.00001; ESP Exome Variant Server 0.00008.
gnomAD v4.1: 1 of 1,613,994 alleles (0.000062%); highest among the groups gnomAD compares: African/African-American, 0.0013%; no homozygotes.

Submission:

Labcorp Genetics (formerly Invitae), Labcorp
Classification: Uncertain significance. Last evaluated: 2022-04-29. Review status: criteria provided, single submitter. Criteria: Invitae Variant Classification Sherloc (09022015). Collection method: clinical testing. Allele origin: germline.
Comment: This variant is not present in population databases (gnomAD no frequency). In summary, the available evidence is currently insufficient to determine the role of this variant in disease. Therefore, it has been classified as a Variant of Uncertain Significance. Algorithms developed to predict the effect of missense changes on protein structure and function are either unavailable or do not agree on the potential impact of this missense change (SIFT: "Deleterious"; PolyPhen-2: "Benign"; Align-GVGD: "Class C25"). This variant has not been reported in the literature in individuals affected with TTPA-related conditions. This sequence change replaces isoleucine, which is neutral and non-polar, with valine, which is neutral and non-polar, at codon 171 of the TTPA protein (p.Ile171Val).

NM_000370.3(TTPA):c.511A>G (p.Ile171Val)

Gene: TTPA (alpha tocopherol transfer protein; minus strand). Cytogenetic location: 8q12.3.
Variant type: single nucleotide variant.
Coding change: c.511A>G on transcript NM_000370.3 (MANE Select); coding-DNA position 511, A replaced by G.
Protein change: p.Ile171Val; replaces isoleucine 171 with valine.
Molecular consequence: missense variant.
Genome position (GRCh38, 1-based): chr8:63,065,945, T>C on the plus strand (A>G on the coding strand, the complement: TTPA is on the minus strand). VCF-style: chr8-63065945-T-C. GRCh37 (hg19) VCF-style: chr8-63978504-T-C.
Other names: c.511A>G, p.Ile171Val (NM_001413416.1); c.628A>G, p.Ile210Val (NM_001413418.1); short protein forms I171V, I210V.
Identifiers: ClinVar variation 2131846 (VCV002131846.4), dbSNP rs377115359, ClinGen allele CA4763223.